The following is an entry in ClinVar:

NM_030962.4(SBF2):c.2083C>G (p.Pro695Ala)

Genes: SBF2 (SET binding factor 2; minus strand), LOC101928008 (uncharacterized LOC101928008; plus strand). Cytogenetic location: 11p15.4.
Variant type: single nucleotide variant.
Coding change: c.2083C>G on transcript NM_030962.4 (MANE Select); coding-DNA position 2083, C replaced by G.
Protein change: p.Pro695Ala; replaces proline 695 with alanine.
Molecular consequence: missense variant.
Genome position (GRCh38, 1-based): chr11:9,858,243, G>C on the plus strand (C>G on the coding strand, the complement: SBF2 is on the minus strand). VCF-style: chr11-9858243-G-C. GRCh37 (hg19) VCF-style: chr11-9879790-G-C.
Other names: c.2083C>G, p.Pro695Ala (NM_001386339.1); c.1954C>G, p.Pro652Ala (NM_001386342.1); c.2119C>G, p.Pro707Ala (NM_001424318.1, NM_001425069.1, NM_001425070.1); short protein forms P652A, P707A, P695A.
Identifiers: ClinVar variation 2833213 (VCV002833213.3), dbSNP rs772258194, ClinGen allele CA5881651.

ClinVar aggregate classification (germline): Uncertain significance (1 of 4 stars; one submission).

Conditions:
Charcot-Marie-Tooth disease type 4. Also called: Charcot-Marie-Tooth, Type 4; Charcot-Marie-Tooth disease, type IV. Identifiers: Orphanet 64749, MedGen C4082197, MONDO:0018995.

Allele frequency attached by ClinVar (database versions not stated): ExAC 0.00001.
gnomAD v4.1: 3 of 1,614,130 alleles (0.00019%); highest among the groups gnomAD compares: East Asian, 0.0067%; no homozygotes.

Submission:

Labcorp Genetics (formerly Invitae), Labcorp
Classification: Uncertain significance for Charcot-Marie-Tooth disease type 4. Last evaluated: 2023-04-13. Review status: criteria provided, single submitter. Criteria: Invitae Variant Classification Sherloc (09022015). Collection method: clinical testing. Allele origin: germline.
Comment: In summary, the available evidence is currently insufficient to determine the role of this variant in disease. Therefore, it has been classified as a Variant of Uncertain Significance. Advanced modeling of protein sequence and biophysical properties (such as structural, functional, and spatial information, amino acid conservation, physicochemical variation, residue mobility, and thermodynamic stability) performed at Invitae indicates that this missense variant is not expected to disrupt SBF2 protein function. This variant has not been reported in the literature in individuals affected with SBF2-related conditions. This variant is present in population databases (rs772258194, gnomAD 0.007%). This sequence change replaces proline, which is neutral and non-polar, with alanine, which is neutral and non-polar, at codon 695 of the SBF2 protein (p.Pro695Ala).